The following is an entry in ClinVar:

NM_001039591.3(USP9X):c.6085+3G>A

Gene: USP9X (ubiquitin specific peptidase 9 X-linked; plus strand). Cytogenetic location: Xp11.4.
Variant type: single nucleotide variant.
Coding change: c.6085+3G>A on transcript NM_001039591.3 (MANE Select); 3 bases into the intron after coding-DNA position 6085, G replaced by A.
Molecular consequence: intron variant.
Genome position (GRCh38, 1-based): chrX:41,216,655, G>A. VCF-style: chrX-41216655-G-A. GRCh37 (hg19) VCF-style: chrX-41075908-G-A.
Other names: c.6100+3G>A (NM_001410748.1, NM_001410749.1); c.6085+3G>A (NM_001039590.3).
Identifiers: ClinVar variation 3626472 (VCV003626472.2).
Genomic context (GRCh38, chrX:41,216,655, plus strand): 5'-TTTCAGTTTATGAAAAAACTGCTTACATGTAATGGCGTTTACTTAAACCCTCCTCCCGGT[G>A]AGTATCAAGAGAGTTTAGCTTCTTAGTAATAAAGAATAATTTATAGTAGGCGTCAACATG-3'

ClinVar aggregate classification (germline): Uncertain significance (1 of 4 stars; one submission).

gnomAD v4.1: 4 of 1,190,599 alleles (0.00034%); highest among the groups gnomAD compares: Non-Finnish European, 0.00045%; no homozygotes.

Submission:

Labcorp Genetics (formerly Invitae), Labcorp
Classification: Uncertain significance. Last evaluated: 2024-09-03. Review status: criteria provided, single submitter. Criteria: Invitae Variant Classification Sherloc (09022015). Collection method: clinical testing. Allele origin: germline.
Comment: This sequence change falls in intron 35 of the USP9X gene. It does not directly change the encoded amino acid sequence of the USP9X protein. It affects a nucleotide within the consensus splice site. This variant is present in population databases (no rsID available, gnomAD 0.002%), including at least one homozygous and/or hemizygous individual. This variant has not been reported in the literature in individuals affected with USP9X-related conditions. Variants that disrupt the consensus splice site are a relatively common cause of aberrant splicing (PMID: 17576681, 9536098). Algorithms developed to predict the effect of sequence changes on RNA splicing suggest that this variant is not likely to affect RNA splicing. In summary, the available evidence is currently insufficient to determine the role of this variant in disease. Therefore, it has been classified as a Variant of Uncertain Significance.

Literature cited by the submitters: PubMed 17576681; PubMed 9536098.